The following is an entry in ClinVar:

ClinVar aggregate classification (germline): Uncertain significance (1 of 4 stars; one submission).

Conditions:
Hereditary cancer-predisposing syndrome. Also called: Neoplastic Syndromes, Hereditary; Tumor predisposition; Hereditary Cancer Syndrome; Hereditary neoplastic syndrome. Identifiers: Orphanet 140162, MedGen C0027672, MeSH D009386, MONDO:0015356.

Submission:

Ambry Genetics
Classification: Uncertain significance for Hereditary cancer-predisposing syndrome. Last evaluated: 2021-10-29. Review status: criteria provided, single submitter. Criteria: Ambry Variant Classification Scheme 2023. Collection method: clinical testing. Allele origin: germline.
Comment: The p.P115R variant (also known as c.344C>G), located in coding exon 2 of the BLM gene, results from a C to G substitution at nucleotide position 344. The proline at codon 115 is replaced by arginine, an amino acid with dissimilar properties. This amino acid position is conserved. In addition, this alteration is predicted to be tolerated by in silico analysis. Since supporting evidence is limited at this time, the clinical significance of this alteration remains unclear.

NM_000057.4(BLM):c.344C>G (p.Pro115Arg)

Gene: BLM (BLM RecQ like helicase; plus strand). Cytogenetic location: 15q26.1.
Variant type: single nucleotide variant.
Coding change: c.344C>G on transcript NM_000057.4 (MANE Select); coding-DNA position 344, C replaced by G.
Protein change: p.Pro115Arg; replaces proline 115 with arginine.
Molecular consequence: missense variant. On other transcripts: 5 prime UTR variant (1).
Genome position (GRCh38, 1-based): chr15:90,749,612, C>G. VCF-style: chr15-90749612-C-G. GRCh37 (hg19) VCF-style: chr15-91292842-C-G.
Other names: c.344C>G, p.Pro115Arg (NM_001287246.2, NM_001287247.2); c.-948C>G (NM_001287248.2); short protein forms P115R.
Identifiers: ClinVar variation 1731540 (VCV001731540.2), dbSNP rs371100621, ClinGen allele CA393840352.